The following is an entry in ClinVar:

ClinVar aggregate classification (germline): Likely pathogenic (1 of 4 stars; one submission).

Submission:

Labcorp Genetics (formerly Invitae), Labcorp
Classification: Likely pathogenic. Last evaluated: 2025-01-06. Review status: criteria provided, single submitter. Criteria: Invitae Variant Classification Sherloc (09022015). Collection method: clinical testing. Allele origin: germline.
Comment: This variant results in the deletion of part of exon 14 (c.1627_1673+31del) of the CEP63 gene. It is expected to disrupt RNA splicing. Variants that disrupt the donor or acceptor splice site typically lead to a loss of protein function (PMID: 16199547), and loss-of-function variants in CEP63 are known to be pathogenic (PMID: 21983783, 23936128, 26158450). This variant is present in population databases (no rsID available, gnomAD 0.03%). This variant has not been reported in the literature in individuals affected with CEP63-related conditions. ClinVar contains an entry for this variant (Variation ID: 2799703). In summary, the currently available evidence indicates that the variant is pathogenic, but additional data are needed to prove that conclusively. Therefore, this variant has been classified as Likely Pathogenic.

Literature cited by the submitters: PubMed 16199547; PubMed 21983783; PubMed 23936128; PubMed 26158450.

NM_001353108.3(CEP63):c.1627_1673+31del

Gene: CEP63 (centrosomal protein 63; plus strand). Cytogenetic location: 3q22.2.
Variant type: Deletion.
Coding change: c.1627_1673+31del on transcript NM_001353108.3 (MANE Select); coding-DNA position 1627 through 31 bases into the intron after coding-DNA position 1673, 78 bases deleted.
Molecular consequence: splice donor variant. On other transcripts: intron variant (17).
Genome position (GRCh38, 1-based): chr3:134,558,301-134,558,378, 78 bases deleted. GRCh37 (hg19): chr3:134,277,143-134,277,220.
Other names: c.1467+6289_1467+6366del (NM_001353113.1, NM_001353117.2); c.1329+6289_1329+6366del (NM_001042384.2, NM_001353124.2, NM_001353123.2); c.1330-3076_1330-2999del (NM_001353122.1, NM_001042383.2, NM_001353121.2 and 2 more transcripts); c.1468-3076_1468-2999del (NM_001353110.1, NM_001353112.2, NM_001353111.2 and 1 more transcripts); c.1489_1535+31del (NM_001353109.1); c.1357-3076_1357-2999del (NM_001353118.1); c.967-3076_967-2999del (NM_001353126.2); c.1627_1673+31del (NM_025180.5); and 1 more.
Identifiers: ClinVar variation 2799703 (VCV002799703.3), dbSNP rs1956657659, ClinGen allele CA2628727.